The following is an entry in ClinVar:

ClinVar aggregate classification (germline): Uncertain significance (1 of 4 stars; one submission).

Allele frequency attached by ClinVar (database versions not stated): gnomAD exomes below 0.00001.
gnomAD v4.1: 1 of 1,613,940 alleles (0.000062%); highest among the groups gnomAD compares: Non-Finnish European, 0.000085%; no homozygotes.

Submission:

Ambry Genetics
Classification: Uncertain significance. Last evaluated: 2022-12-24. Review status: criteria provided, single submitter. Criteria: Ambry Variant Classification Scheme 2023. Collection method: clinical testing. Allele origin: germline.
Comment: The p.S1392L variant (also known as c.4175C>T), located in coding exon 17 of the NPAT gene, results from a C to T substitution at nucleotide position 4175. The serine at codon 1392 is replaced by leucine, an amino acid with dissimilar properties. This amino acid position is conserved. In addition, this alteration is predicted to be tolerated by in silico analysis. Since supporting evidence is limited at this time, the clinical significance of this alteration remains unclear.

NM_002519.3(NPAT):c.4175C>T (p.Ser1392Leu)

Gene: NPAT (nuclear protein, coactivator of histone transcription; minus strand). Cytogenetic location: 11q22.3.
Variant type: single nucleotide variant.
Coding change: c.4175C>T on transcript NM_002519.3 (MANE Select); coding-DNA position 4175, C replaced by T.
Protein change: p.Ser1392Leu; replaces serine 1392 with leucine.
Molecular consequence: missense variant.
Genome position (GRCh38, 1-based): chr11:108,160,911, G>A on the plus strand (C>T on the coding strand, the complement: NPAT is on the minus strand). VCF-style: chr11-108160911-G-A. GRCh37 (hg19) VCF-style: chr11-108031638-G-A.
Other names: c.4196C>T, p.Ser1399Leu (NM_001321307.1); short protein forms S1392L, S1399L.
Identifiers: ClinVar variation 2453759 (VCV002453759.2), dbSNP rs1442999200, ClinGen allele CA382509205.